The following is an entry in ClinVar:

NM_001128178.3(NPHP1):c.771+33G>A

Gene: NPHP1 (nephrocystin 1; minus strand). Cytogenetic location: 2q13.
Variant type: single nucleotide variant.
Coding change: c.771+33G>A on transcript NM_001128178.3 (MANE Select); 33 bases into the intron after coding-DNA position 771, G replaced by A.
Molecular consequence: intron variant. On other transcripts: synonymous variant (2).
Genome position (GRCh38, 1-based): chr2:110,164,655, C>T on the plus strand (G>A on the coding strand, the complement: NPHP1 is on the minus strand). VCF-style: chr2-110164655-C-T. GRCh37 (hg19) VCF-style: chr2-110922232-C-T.
Other names: c.804G>A, p.Ser268= (NM_000272.5, NM_207181.4); c.585+33G>A (NM_001128179.3); c.771+33G>A (NM_001374256.1, NM_001374257.1).
Identifiers: ClinVar variation 594836 (VCV000594836.21), dbSNP rs751388694, ClinGen allele CA1827277.

ClinVar aggregate classification (germline): Conflicting classifications of pathogenicity. Review status: criteria provided, conflicting classifications (1 of 4 stars). 4 submissions from 4 submitters: Uncertain significance (1); Likely benign (3). Last evaluated 2026-01-24.

Conditions:
Nephronophthisis. Also called: Juvenile Nephronophthisis. Identifiers: Orphanet 655, MedGen C0687120, MONDO:0019005, HP:0000090.

Allele frequency attached by ClinVar (database versions not stated): ExAC 0.00002; gnomAD exomes 0.00004; gnomAD 0.00015 and 0.00017; TOPMed 0.00036.
gnomAD v4.1: 60 of 1,613,768 alleles (0.0037%); highest among the groups gnomAD compares: Admixed American, 0.058%; no homozygotes.

Submissions (4):

Labcorp Genetics (formerly Invitae), Labcorp
Classification: Likely benign for Nephronophthisis. Last evaluated: 2026-01-24. Review status: criteria provided, single submitter. Criteria: Invitae Variant Classification Sherloc (09022015). Collection method: clinical testing. Allele origin: germline.

CeGaT Center for Human Genetics Tuebingen
Classification: Likely benign. Last evaluated: 2025-04-01. Review status: criteria provided, single submitter. Criteria: CeGaT Center For Human Genetics Tuebingen Variant Classification Criteria Version 2. Collection method: clinical testing. Allele origin: germline. Affected: yes. Observed: 1 variant allele.
Comment: NPHP1: BP4, BP7

Blueprint Genetics
Classification: Likely benign. Last evaluated: 2019-04-12. Review status: criteria provided, single submitter. Criteria: ACMG Guidelines, 2015. Collection method: clinical testing. Allele origin: germline.

Eurofins Ntd Llc (ga)
Classification: Uncertain significance. Last evaluated: 2017-11-07. Review status: criteria provided, single submitter. Criteria: EGL Classification Definitions 2015. Collection method: clinical testing. Allele origin: germline. Observed: 1 variant allele, 1 heterozygote.